The following is an entry in ClinVar:

ClinVar aggregate classification (germline): Pathogenic. Review status: criteria provided, multiple submitters, no conflicts (2 of 4 stars). 7 submissions from 7 submitters: Pathogenic (5). 2 of the submissions do not count toward it. Last evaluated 2026-01-26.

Conditions:
Hereditary cancer-predisposing syndrome. Also called: Tumor predisposition; Hereditary neoplastic syndrome; Hereditary Cancer Syndrome; Neoplastic Syndromes, Hereditary. Identifiers: Orphanet 140162, MedGen C0027672, MeSH D009386, MONDO:0015356.
Hereditary pheochromocytoma and paraganglioma. Also called: Hereditary paragangliomas and pheochromocytomas; Hereditary pheochromocytoma-paraganglioma; Hereditary Paraganglioma-Pheochromocytoma Syndromes. Identifiers: Orphanet 29072, MedGen C4274332, MONDO:0017366.
Pheochromocytoma/paraganglioma syndrome 2. Also called: SDHAF2-Related Hereditary Paraganglioma-Pheochromocytoma Syndrome (Paragangliomas 2); Paragangliomas 2; GLOMUS TUMORS, FAMILIAL, 2; SDHAF2-Related Hereditary Paraganglioma-Pheochromocytoma Syndrome. Identifiers: Orphanet 29072, MedGen C1866552, MONDO:0011121, OMIM 601650.

Submissions (7):

Medical and Scientific Branch, Hong Kong Genome Institute
Classification: Pathogenic for Pheochromocytoma/paraganglioma syndrome 2. Last evaluated: 2026-01-26. Review status: criteria provided, single submitter. Criteria: ACMG Guidelines, 2015. Collection method: clinical testing. Allele origin: unknown. Affected: yes.

Labcorp Genetics (formerly Invitae), Labcorp
Classification: Pathogenic for Hereditary pheochromocytoma and paraganglioma. Last evaluated: 2025-11-05. Review status: criteria provided, single submitter. Criteria: Invitae Variant Classification Sherloc (09022015). Collection method: clinical testing. Allele origin: germline.
Comment: This sequence change replaces glycine, which is neutral and non-polar, with arginine, which is basic and polar, at codon 78 of the SDHAF2 protein (p.Gly78Arg). This variant is not present in population databases (gnomAD no frequency). This missense change has been observed in individual(s) with paraganglioma (PMID: 20071235, 22241717, 28099933). It is commonly reported in individuals of Dutch ancestry (PMID: 6264239, 6286462, 19628817, 21224366, 21348866). ClinVar contains an entry for this variant (Variation ID: 401). An algorithm developed to predict the effect of missense changes on protein structure and function (PolyPhen-2) suggests that this variant is likely to be disruptive. Experimental studies have shown that this missense change affects SDHAF2 function (PMID: 19628817, 24414418). For these reasons, this variant has been classified as Pathogenic.

Ambry Genetics
Classification: Pathogenic for Hereditary cancer-predisposing syndrome. Last evaluated: 2025-09-05. Review status: criteria provided, single submitter. Criteria: Ambry Variant Classification Scheme 2023. Collection method: clinical testing. Allele origin: germline.
Comment: The p.G78R pathogenic mutation (also known as c.232G>A), located in coding exon 2 of the SDHAF2 gene, results from a G to A substitution at nucleotide position 232. The glycine at codon 78 is replaced by arginine, an amino acid with dissimilar properties. This mutation is considered a Dutch founder mutation and has been identified in multiple families with hereditary head and neck paragangliomas (HNPGL) (Hensen, EF et al. Clin Genet. 2012 Mar;81(3):284-8; Hao, HX et al. Science. 2009 Aug 28;325(5944):1139-42; Hoekstra AS et al. Oncotarget, 2017 Feb;8:14525-14536). In addition, this mutation co-segregated with disease in a Spanish family with HNPGL (Bayley, JP et al. Lancet Oncol. 2010 Apr;11(4):366-72) and was also observed in an apparently sporadic case of HNPGL in a patient with a right tympanic PGL (Piccini, V et al. Endocr Relat Cancer. 2012 Apr 10;19(2):149-55). Functional studies suggest that this mutation leads to a significant loss of flavination of SDHA, loss of activity of the succinate dehydrogenase complex, and reduced stability of SDHAF2 (Hao, HX et al. Science. 2009 Aug 28;325(5944):1139-42; Bezawork-Geleta A et al. FASEB J., 2014 Apr;28:1794-804). This amino acid position is highly conserved in available vertebrate species. In addition, this alteration is predicted to be deleterious by in silico analysis. This variant is considered to be rare based on population cohorts in the Genome Aggregation Database (gnomAD). Based on the supporting evidence, this alteration is interpreted as a disease-causing mutation.

Baylor Genetics
Classification: Pathogenic for Pheochromocytoma/paraganglioma syndrome 2. Last evaluated: 2023-01-04. Review status: criteria provided, single submitter. Criteria: ACMG Guidelines, 2015. Collection method: clinical testing. Allele origin: unknown.

GeneDx
Classification: Pathogenic. Last evaluated: 2020-10-13. Review status: criteria provided, single submitter. Criteria: GeneDx Variant Classification Process June 2021. Collection method: clinical testing. Allele origin: germline. Affected: yes.
Comment: Founder pathogenic variant in the Dutch population (Hensen 2012); Published functional studies demonstrate a damaging effect: variant results in a destabilized SDHAF2 protein and impairs SDHAF2-SDHA interaction (Hao 2009, Bezawork-Gelata 2014); Not observed in large population cohorts (Lek 2016); In silico analysis supports that this missense variant has a deleterious effect on protein structure/function; This variant is associated with the following publications: (PMID: 20972721, 19628817, 6286462, 28099933, 30050099, 24414418, 27587393, 22904323, 26627475, 23062074, 20071235, 21348866, 21224366, 25720320, 20938758, 23154507, 21082267, 21547462, 28384794, 20304625, 24739310, 31212687)

OMIM
Classification: Pathogenic for PHEOCHROMOCYTOMA/PARAGANGLIOMA SYNDROME 2. Last evaluated: 2012-03-01. Review status: no assertion criteria provided. Collection method: literature only. Allele origin: germline. Not counted in ClinVar's aggregate classification.

GeneReviews
No classification provided. Condition: Pheochromocytoma/paraganglioma syndrome 2. Review status: no classification provided. Collection method: literature only. Allele origin: germline. Not counted in ClinVar's aggregate classification.

Literature cited by the submitters: PubMed 20071235 (cited by Labcorp Genetics (formerly Invitae), Labcorp); PubMed 22241717 (cited by Labcorp Genetics (formerly Invitae), Labcorp); PubMed 28099933 (cited by Labcorp Genetics (formerly Invitae), Labcorp and Ambry Genetics); PubMed 6264239 (cited by Labcorp Genetics (formerly Invitae), Labcorp); PubMed 6286462 (cited by 3 submitters); PubMed 19628817 (cited by Labcorp Genetics (formerly Invitae), Labcorp and OMIM); PubMed 21224366 (cited by Labcorp Genetics (formerly Invitae), Labcorp); PubMed 21348866 (cited by Labcorp Genetics (formerly Invitae), Labcorp and OMIM); PubMed 24414418 (cited by Labcorp Genetics (formerly Invitae), Labcorp and Ambry Genetics).

NM_017841.4(SDHAF2):c.232G>A (p.Gly78Arg)

Gene: SDHAF2 (succinate dehydrogenase complex assembly factor 2; plus strand). Cytogenetic location: 11q12.2.
Variant type: single nucleotide variant.
Coding change: c.232G>A on transcript NM_017841.4 (MANE Select); coding-DNA position 232, G replaced by A.
Protein change: p.Gly78Arg; replaces glycine 78 with arginine.
Molecular consequence: missense variant.
Genome position (GRCh38, 1-based): chr11:61,437,820, G>A. VCF-style: chr11-61437820-G-A. GRCh37 (hg19) VCF-style: chr11-61205292-G-A.
Other names: short protein forms G78R.
Identifiers: ClinVar variation 401 (VCV000000401.24), dbSNP rs113560320, ClinGen allele CA017320.